The following is an entry in ClinVar:

ClinVar aggregate classification (germline): Likely benign. Review status: criteria provided, multiple submitters, no conflicts (2 of 4 stars). 3 submissions from 3 submitters: Likely benign (3). Last evaluated 2025-09-24.

Allele frequency attached by ClinVar (database versions not stated): TOPMed 0.00006; gnomAD 0.00007; gnomAD exomes 0.00007; ESP Exome Variant Server 0.00008; ExAC 0.00012.
gnomAD v4.1: 106 of 1,611,690 alleles (0.0066%); highest among the groups gnomAD compares: Non-Finnish European, 0.0085%; no homozygotes.

Submissions (3):

Labcorp Genetics (formerly Invitae), Labcorp
Classification: Likely benign. Last evaluated: 2025-09-24. Review status: criteria provided, single submitter. Criteria: Invitae Variant Classification Sherloc (09022015). Collection method: clinical testing. Allele origin: germline.

CeGaT Center for Human Genetics Tuebingen
Classification: Likely benign. Last evaluated: 2024-05-01. Review status: criteria provided, single submitter. Criteria: CeGaT Center For Human Genetics Tuebingen Variant Classification Criteria Version 2. Collection method: clinical testing. Allele origin: germline. Affected: yes. Observed: 2 variant alleles.
Comment: CACNA1B: BP4, BP7

Blueprint Genetics
Classification: Likely benign. Last evaluated: 2024-04-22. Review status: criteria provided, single submitter. Criteria: ACMG Guidelines, 2015. Collection method: clinical testing. Allele origin: germline.

NM_000718.4(CACNA1B):c.1152G>A (p.Glu384=)

Gene: CACNA1B (calcium voltage-gated channel subunit alpha1 B; plus strand). Cytogenetic location: 9q34.3.
Variant type: single nucleotide variant.
Coding change: c.1152G>A on transcript NM_000718.4 (MANE Select); coding-DNA position 1152, G replaced by A.
Protein change: p.Glu384=; no amino-acid change (glutamic acid 384 retained).
Molecular consequence: synonymous variant.
Genome position (GRCh38, 1-based): chr9:137,955,779, G>A. VCF-style: chr9-137955779-G-A. GRCh37 (hg19) VCF-style: chr9-140850231-G-A.
Other names: c.1152G>A, p.Glu384= (NM_001243812.2).
Identifiers: ClinVar variation 2166389 (VCV002166389.24), dbSNP rs200804118, ClinGen allele CA5376051.